The following is an entry in ClinVar:

NM_012120.3(CD2AP):c.1045+70T>C

Gene: CD2AP (CD2 associated protein; plus strand). Cytogenetic location: 6p12.3.
Variant type: single nucleotide variant.
Coding change: c.1045+70T>C on transcript NM_012120.3 (MANE Select); 70 bases into the intron after coding-DNA position 1045, T replaced by C.
Molecular consequence: intron variant.
Genome position (GRCh38, 1-based): chr6:47,580,970, T>C. VCF-style: chr6-47580970-T-C. GRCh37 (hg19) VCF-style: chr6-47548706-T-C.
Identifiers: ClinVar variation 977114 (VCV000977114.2), dbSNP rs1377431158, ClinGen allele CA1139659567.

ClinVar aggregate classification (germline): drug response (0 of 4 stars; one submission).

Conditions:
Corticosteroids response. Also called: Corticosteroid response.

gnomAD v4.1: 1 of 1,051,034 alleles (0.000095%); highest among the groups gnomAD compares: East Asian, 0.0024%; no homozygotes.

Submission:

Genetic Testing Lab, Ashok and Rita Patel Institute of Integrated Study and Research in Biotechnology and Allied Sciences
Classification: drug response for Corticosteroid response. Last evaluated: 2020-01-12. Review status: no assertion criteria provided. Collection method: research. Allele origin: somatic. Affected: yes. Observed: 27 variant alleles.
Comment: Depending upon patients response to standard corticosteroids therapy, they were classified to be either Steroid resistance(SRNS) or steroid sensitive(SSNS)